The following is an entry in ClinVar:

NM_001077350.3(NPRL3):c.403G>C (p.Asp135His)

Genes: HBA-LCR (alpha-globin locus control region; plus strand), NPRL3 (NPR3 like, GATOR1 complex subunit; minus strand). Cytogenetic location: 16p13.3.
Variant type: single nucleotide variant.
Coding change: c.403G>C on transcript NM_001077350.3 (MANE Select); coding-DNA position 403, G replaced by C.
Protein change: p.Asp135His; replaces aspartic acid 135 with histidine.
Molecular consequence: missense variant. On other transcripts: 5 prime UTR variant (1).
Genome position (GRCh38, 1-based): chr16:112,766, C>G on the plus strand (G>C on the coding strand, the complement: NPRL3 is on the minus strand). VCF-style: chr16-112766-C-G. GRCh37 (hg19) VCF-style: chr16-162765-C-G.
Other names: c.-135G>C (NM_001039476.3); c.169G>C, p.Asp57His (NM_001243247.2); c.328G>C, p.Asp110His (NM_001243248.2, NM_001243249.2); short protein forms D110H, D135H, D57H.
Identifiers: ClinVar variation 1313858 (VCV001313858.2), dbSNP rs2141950389, ClinGen allele CA393994103.

ClinVar aggregate classification (germline): Uncertain significance (1 of 4 stars; one submission).

Submission:

GeneDx
Classification: Uncertain significance. Last evaluated: 2021-01-07. Review status: criteria provided, single submitter. Criteria: GeneDx Variant Classification Process June 2021. Collection method: clinical testing. Allele origin: germline. Affected: yes.
Comment: Not observed in large population cohorts (Lek et al., 2016); In silico analysis supports that this missense variant has a deleterious effect on protein structure/function; Has not been previously published as pathogenic or benign to our knowledge